The following is an entry in ClinVar:

ClinVar aggregate classification (germline): Uncertain significance (1 of 4 stars; one submission).

Conditions:
Type A2 brachydactyly (BDA2). Also called: MOHR-WRIEDT TYPE BRACHYDACTYLY; BRACHYMESOPHALANGY II; Brachymesophalangy type 2. Identifiers: Orphanet 93396, MedGen C1832702, MONDO:0007216, OMIM 112600, HP:0009372.
Acromesomelic dysplasia 3 (AMD3). Also called: CHONDRODYSPLASIA, ACROMESOMELIC, WITH OR WITHOUT GENITAL ANOMALIES; Acromesomelic dysplasia, Demirhan type. Identifiers: MedGen C4225404, MONDO:0012274, OMIM 609441.

Allele frequency attached by ClinVar (database versions not stated): gnomAD 0.00002.
gnomAD v4.1: 42 of 1,613,816 alleles (0.0026%); highest among the groups gnomAD compares: Middle Eastern, 0.016%; no homozygotes.

Submission:

Labcorp Genetics (formerly Invitae), Labcorp
Classification: Uncertain significance for Type A2 brachydactyly; Acromesomelic dysplasia 3. Last evaluated: 2021-04-23. Review status: criteria provided, single submitter. Criteria: Invitae Variant Classification Sherloc (09022015). Collection method: clinical testing. Allele origin: germline.
Comment: In summary, the available evidence is currently insufficient to determine the role of this variant in disease. Therefore, it has been classified as a Variant of Uncertain Significance. Advanced modeling of protein sequence and biophysical properties (such as structural, functional, and spatial information, amino acid conservation, physicochemical variation, residue mobility, and thermodynamic stability) performed at Invitae indicates that this missense variant is expected to disrupt BMPR1B protein function. This variant has not been reported in the literature in individuals with BMPR1B-related conditions. This variant is not present in population databases (ExAC no frequency). This sequence change replaces threonine with lysine at codon 245 of the BMPR1B protein (p.Thr245Lys). The threonine residue is highly conserved and there is a moderate physicochemical difference between threonine and lysine.

NM_001203.3(BMPR1B):c.734C>A (p.Thr245Lys)

Gene: BMPR1B (bone morphogenetic protein receptor type 1B; plus strand). Cytogenetic location: 4q22.3.
Variant type: single nucleotide variant.
Coding change: c.734C>A on transcript NM_001203.3 (MANE Select); coding-DNA position 734, C replaced by A.
Protein change: p.Thr245Lys; replaces threonine 245 with lysine.
Molecular consequence: missense variant.
Genome position (GRCh38, 1-based): chr4:95,130,010, C>A. VCF-style: chr4-95130010-C-A. GRCh37 (hg19) VCF-style: chr4-96051161-C-A.
Other names: c.734C>A, p.Thr245Lys (NM_001256792.2, NM_001256794.1); c.824C>A, p.Thr275Lys (NM_001256793.2); short protein forms T275K, T245K.
Identifiers: ClinVar variation 1364353 (VCV001364353.8), dbSNP rs751532146, ClinGen allele CA357681559.
Genomic context (GRCh38, chr4:95,130,010, plus strand): 5'-GCGAAAAGGTAGCTGTGAAAGTGTTCTTCACCACAGAGGAAGCCAGCTGGTTCAGAGAGA[C>A]AGAAATATATCAGACAGTGTTGATGAGGCATGAAAACATTTTGGGTGAGTAAAAGTCTGC-3'
Protein context (NP_001194.1, residues 235-255): TTEEASWFRE[Thr245Lys]EIYQTVLMRH